The following is an entry in ClinVar:

NM_001276270.2(MBD4):c.105-2A>C

Gene: MBD4 (methyl-CpG binding domain 4, DNA glycosylase; minus strand). Cytogenetic location: 3q21.3.
Variant type: single nucleotide variant.
Coding change: c.105-2A>C on transcript NM_001276270.2 (MANE Select); the canonical splice acceptor site of the intron before coding-DNA position 105, A replaced by C.
Molecular consequence: splice acceptor variant.
Genome position (GRCh38, 1-based): chr3:129,437,952, T>G on the plus strand (A>C on the coding strand, the complement: MBD4 is on the minus strand). VCF-style: chr3-129437952-T-G. GRCh37 (hg19) VCF-style: chr3-129156795-T-G.
Other names: c.105-2A>C (NM_001276273.2, NM_001276272.2, NM_003925.3 and 1 more transcripts).
Identifiers: ClinVar variation 4052166 (VCV004052166.1).

ClinVar aggregate classification (germline): Likely pathogenic (1 of 4 stars; one submission).

Conditions:
Inborn genetic diseases. Identifiers: MedGen C0950123, MeSH D030342.

Submission:

Ambry Genetics
Classification: Likely pathogenic for Inborn genetic diseases. Last evaluated: 2025-04-01. Review status: criteria provided, single submitter. Criteria: Ambry Variant Classification Scheme 2023. Collection method: clinical testing. Allele origin: germline.
Comment: The c.105-2A>C intronic variant results from an A to C substitution two nucleotides upstream from coding exon 2 in the MBD4 gene. In silico splice site analysis predicts that this alteration will weaken the native splice acceptor site and will result in the creation or strengthening of a novel splice acceptor site. The stop codon in the predicted resulting transcript occurs in the 5' end ofthe MBD4 gene. As such, this alteration may escape nonsense-mediated mRNAdecay and/or be prone to rescue by reinitiation (Rivas et al. Science. 2015 May 8;348(6235):666-9; Lindeboom et al. Nat Genet. 2016 Oct;48(10):1112-8; Rhee et al. Sci Rep. 2017 May 10;7(1):1653). The exact functional effect of this alteration is unknown; however, a significant portion of the protein is affected (Ambry internal data). This variant is considered to be rare based on population cohorts in the Genome Aggregation Database (gnomAD). This nucleotide position is highly conserved in available vertebrate species. Based on the majority of available evidence to date, this variant is likely to be pathogenic.